The following is an entry in ClinVar:

ClinVar aggregate classification (germline): Pathogenic/Likely pathogenic. Review status: criteria provided, multiple submitters, no conflicts (2 of 4 stars). 3 submissions from 3 submitters: Pathogenic (2); Likely pathogenic (1). Last evaluated 2023-11-25.

Conditions:
Junctional epidermolysis bullosa. Identifiers: Orphanet 305, MedGen C0079301, MONDO:0017612.

Allele frequency attached by ClinVar (database versions not stated): gnomAD exomes below 0.00001; gnomAD 0.00002; TOPMed 0.00002.
gnomAD v4.1: 7 of 1,613,894 alleles (0.00043%); highest among the groups gnomAD compares: African/African-American, 0.0013%; no homozygotes.

Submissions (3):

Labcorp Genetics (formerly Invitae), Labcorp
Classification: Pathogenic. Last evaluated: 2023-11-25. Review status: criteria provided, single submitter. Criteria: Invitae Variant Classification Sherloc (09022015). Collection method: clinical testing. Allele origin: germline.
Comment: This sequence change replaces cysteine, which is neutral and slightly polar, with arginine, which is basic and polar, at codon 355 of the LAMB3 protein (p.Cys355Arg). This variant is not present in population databases (gnomAD no frequency). This missense change has been observed in individuals with junctional epidermolysis bullosa (PMID: 11810295, 28087116). It has also been observed to segregate with disease in related individuals. ClinVar contains an entry for this variant (Variation ID: 1443250). Advanced modeling of protein sequence and biophysical properties (such as structural, functional, and spatial information, amino acid conservation, physicochemical variation, residue mobility, and thermodynamic stability) performed at Invitae indicates that this missense variant is expected to disrupt LAMB3 protein function with a positive predictive value of 80%. For these reasons, this variant has been classified as Pathogenic.

Women's Health and Genetics/Laboratory Corporation of America, LabCorp
Classification: Pathogenic for Junctional epidermolysis bullosa. Last evaluated: 2023-06-26. Review status: criteria provided, single submitter. Criteria: LabCorp Variant Classification Summary - May 2015. Collection method: clinical testing. Allele origin: germline.
Comment: Variant summary: LAMB3 c.1063T>C (p.Cys355Arg) results in a non-conservative amino acid change in the encoded protein sequence. Five of five in-silico tools predict a damaging effect of the variant on protein function. The variant was absent in 251490 control chromosomes. c.1063T>C has been reported in the literature in multiple homozygous and compound heterozygous individuals affected with Junctional Epidermolysis Bullosa (examples: Nakano_2002, Yenamandra_2017). These data indicate that the variant is very likely to be associated with disease. To our knowledge, no experimental evidence demonstrating an impact on protein function has been reported. The following publications have been ascertained in the context of this evaluation (PMID: 11810295, 28087116). Two submitters have cited clinical-significance assessments for this variant to ClinVar after 2014, classifying the variant as pathogenic (n=1) or likely pathogenic (n=1). Based on the evidence outlined above, the variant was classified as pathogenic.

GeneDx
Classification: Likely pathogenic. Last evaluated: 2023-02-08. Review status: criteria provided, single submitter. Criteria: GeneDx Variant Classification Process June 2021. Collection method: clinical testing. Allele origin: germline. Affected: yes.
Comment: In silico analysis supports that this missense variant has a deleterious effect on protein structure/function as this variant disrupts a crucial Cysteine disulphide bond and likely affects proper formation of the LAM332 complex (Nakano et al., 2002; Yenamandra et al., 2017); Not observed at significant frequency in large population cohorts (gnomAD); This variant is associated with the following publications: (PMID: 11810295, 28087116, AlShehri[2021]paper)

Literature cited by the submitters: PubMed 11810295 (cited by Labcorp Genetics (formerly Invitae), Labcorp and Women's Health and Genetics/Laboratory Corporation of America, LabCorp); PubMed 28087116 (cited by Labcorp Genetics (formerly Invitae), Labcorp and Women's Health and Genetics/Laboratory Corporation of America, LabCorp).

NM_000228.3(LAMB3):c.1063T>C (p.Cys355Arg)

Gene: LAMB3 (laminin subunit beta 3; minus strand). Cytogenetic location: 1q32.2.
Variant type: single nucleotide variant.
Coding change: c.1063T>C on transcript NM_000228.3 (MANE Select); coding-DNA position 1063, T replaced by C.
Protein change: p.Cys355Arg; replaces cysteine 355 with arginine.
Molecular consequence: missense variant.
Genome position (GRCh38, 1-based): chr1:209,629,806, A>G on the plus strand (T>C on the coding strand, the complement: LAMB3 is on the minus strand). VCF-style: chr1-209629806-A-G. GRCh37 (hg19) VCF-style: chr1-209803151-A-G.
Other names: c.1063T>C, p.Cys355Arg (NM_001017402.2, NM_001127641.1); c.1063T>C (NM_000228.2); short protein forms C355R.
Identifiers: ClinVar variation 1443250 (VCV001443250.9), dbSNP rs532875477, ClinGen allele CA36758460.
Genomic context (GRCh38, chr1:209,629,806, plus strand): 5'-TCTCCTGAATGGAAGCTCCCGGGCGCCGGTTCCGGAAATAGTGCAGCTGACACCGCTCAC[A>G]GTTCTTGCCTTCGGTGTGGTCCCGGCAATTGTCACACACACCTCCATATGCCCCCTGGCT-3'
Protein context (NP_000219.2, residues 345-365): NCRDHTEGKN[Cys355Arg]ERCQLHYFRN